The following is an entry in ClinVar:

NM_001159699.2(FHL1):c.90G>C (p.Leu30Phe)

Gene: FHL1 (four and a half LIM domains 1; plus strand). Cytogenetic location: Xq26.3.
Variant type: single nucleotide variant.
Coding change: c.90G>C on transcript NM_001159699.2 (MANE Select); coding-DNA position 90, G replaced by C.
Protein change: p.Leu30Phe; replaces leucine 30 with phenylalanine.
Molecular consequence: missense variant. On other transcripts: non-coding transcript variant (1).
Genome position (GRCh38, 1-based): chrX:136,206,474, G>C. VCF-style: chrX-136206474-G-C. GRCh37 (hg19) VCF-style: chrX-135288633-G-C.
Other names: c.42G>C, p.Leu14Phe (NM_001159700.2, NM_001159702.3, NM_001159703.2 and 9 more transcripts); c.129G>C, p.Leu43Phe (NM_001159701.2); c.90G>C, p.Leu30Phe (NM_001330659.2); short protein forms L14F, L30F, L43F.
Identifiers: ClinVar variation 2636974 (VCV002636974.1), dbSNP rs2521247546, ClinGen allele CA414607489.

ClinVar aggregate classification (germline): Uncertain significance (1 of 4 stars; one submission).

Conditions:
FHL1-related disorder. Also called: FHL1-related disorders; FHL1-related condition.

Submission:

PreventionGenetics, part of Exact Sciences
Classification: Uncertain significance for FHL1-related condition. Last evaluated: 2022-09-28. Review status: criteria provided, single submitter. Criteria: ACMG Guidelines, 2015. Collection method: clinical testing. Allele origin: germline.
Comment: The FHL1 c.42G>C variant is predicted to result in the amino acid substitution p.Leu14Phe. To our knowledge, this variant has not been reported in the literature or in a large population database, indicating this variant is rare. At this time, the clinical significance of this variant is uncertain due to the absence of conclusive functional and genetic evidence.